The following is an entry in ClinVar:

NM_001377540.1(SLMAP):c.1238-3T>C

Gene: SLMAP (sarcolemma associated protein; plus strand). Cytogenetic location: 3p14.3.
Variant type: single nucleotide variant.
Coding change: c.1238-3T>C on transcript NM_001377540.1 (MANE Select); 3 bases into the intron before coding-DNA position 1238, T replaced by C.
Molecular consequence: intron variant.
Genome position (GRCh38, 1-based): chr3:57,871,633, T>C. VCF-style: chr3-57871633-T-C. GRCh37 (hg19) VCF-style: chr3-57857360-T-C.
Other names: c.1238-3T>C (NM_001377538.1, NM_001377539.1, NM_001377555.1); c.1237+6341T>C (NM_001377545.1, NM_001377922.1); c.1187-3T>C (NM_001377541.1, NM_001304420.3, NM_001377562.1 and 2 more transcripts); c.1186+6776T>C (NM_001377552.1, NM_001377551.1, NM_001377924.1); c.1136-3T>C (NM_001377549.1, NM_007159.5, NM_001377923.1); c.1135+6917T>C (NM_001377559.1, NM_001377557.1, NM_001377925.1 and 1 more transcripts).
Identifiers: ClinVar variation 3718203 (VCV003718203.2).
Genomic context (GRCh38, chr3:57,871,633, plus strand): 5'-TTGCTGTTGGTTTTCAAAGACAGCAACAAACTATATCCTTAAAGGTGTTTCTTTCTTTAT[T>C]AGAGCACTTGCTTTCAAAGAGTGGCGGGGACTGCACTTTTATTCATCAATTCATAGAATG-3'

ClinVar aggregate classification (germline): Uncertain significance (1 of 4 stars; one submission).

Conditions:
Brugada syndrome. Also called: Sudden unexpected nocturnal death syndrome; Sudden unexplained nocturnal death syndrome; Sudden Unexplained Death Syndrome; Sudden Unexplained Nocturnal Death Syndrome (SUNDS). Identifiers: Orphanet 130, MedGen C1142166, MONDO:0015263.

gnomAD v4.1: 4 of 1,611,450 alleles (0.00025%); highest among the groups gnomAD compares: Admixed American, 0.0067%; no homozygotes.

Submission:

Labcorp Genetics (formerly Invitae), Labcorp
Classification: Uncertain significance for Brugada syndrome. Last evaluated: 2024-03-15. Review status: criteria provided, single submitter. Criteria: Invitae Variant Classification Sherloc (09022015). Collection method: clinical testing. Allele origin: germline.
Comment: This sequence change falls in intron 10 of the SLMAP gene. It does not directly change the encoded amino acid sequence of the SLMAP protein. It affects a nucleotide within the consensus splice site. This variant is present in population databases (rs767755705, gnomAD 0.006%). This variant has not been reported in the literature in individuals affected with SLMAP-related conditions. Variants that disrupt the consensus splice site are a relatively common cause of aberrant splicing (PMID: 17576681, 9536098). Algorithms developed to predict the effect of sequence changes on RNA splicing suggest that this variant is not likely to affect RNA splicing. In summary, the available evidence is currently insufficient to determine the role of this variant in disease. Therefore, it has been classified as a Variant of Uncertain Significance.

Literature cited by the submitters: PubMed 17576681; PubMed 9536098.